The following is an entry in ClinVar:

NM_024426.6(WT1):c.354T>C (p.Ala118=)

Genes: WT1 (WT1 transcription factor; minus strand), LOC107982234 (WT1/WT1-AS bi-directional promoter region; plus strand). Cytogenetic location: 11p13.
Variant type: single nucleotide variant.
Coding change: c.354T>C on transcript NM_024426.6 (MANE Select); coding-DNA position 354, T replaced by C.
Protein change: p.Ala118=; no amino-acid change (alanine 118 retained).
Molecular consequence: synonymous variant. On other transcripts: non-coding transcript variant (2).
Genome position (GRCh38, 1-based): chr11:32,435,007, A>G on the plus strand (T>C on the coding strand, the complement: WT1 is on the minus strand). VCF-style: chr11-32435007-A-G. GRCh37 (hg19) VCF-style: chr11-32456553-A-G.
Other names: c.354T>C, p.Ala118= (NM_000378.6, NM_001407044.1, NM_001407045.1 and 6 more transcripts); c.135T>C, p.Ala45= (NM_001429031.1, NM_001429032.1, NM_001429033.1 and 1 more transcripts); c.339T>C (NM_024426.4).
Identifiers: ClinVar variation 4083886 (VCV004083886.9).

ClinVar aggregate classification (germline): Likely benign. Review status: criteria provided, multiple submitters, no conflicts (2 of 4 stars). 2 submissions from 2 submitters: Likely benign (2). Last evaluated 2026-08-14.

Conditions:
Inborn genetic diseases. Identifiers: MedGen C0950123, MeSH D030342.

Submissions (2):

Ambry Genetics
Classification: Likely benign for Inborn genetic diseases. Last evaluated: 2026-08-14. Review status: criteria provided, single submitter. Criteria: Ambry Variant Classification Scheme 2023. Collection method: clinical testing. Allele origin: germline.

CeGaT Center for Human Genetics Tuebingen
Classification: Likely benign. Last evaluated: 2025-08-01. Review status: criteria provided, single submitter. Criteria: CeGaT Center For Human Genetics Tuebingen Variant Classification Criteria Version 2. Collection method: clinical testing. Allele origin: germline. Affected: yes. Observed: 1 variant allele.
Comment: WT1: PM2:Supporting, BP4, BP7